The following is an entry in ClinVar:

ClinVar aggregate classification (germline): Uncertain significance (1 of 4 stars; one submission).

Submission:

Labcorp Genetics (formerly Invitae), Labcorp
Classification: Uncertain significance. Last evaluated: 2024-10-17. Review status: criteria provided, single submitter. Criteria: Invitae Variant Classification Sherloc (09022015). Collection method: clinical testing. Allele origin: germline.
Comment: This sequence change replaces asparagine, which is neutral and polar, with histidine, which is basic and polar, at codon 834 of the SAMD9 protein (p.Asn834His). This variant is not present in population databases (gnomAD no frequency). This variant has not been reported in the literature in individuals affected with SAMD9-related conditions. Invitae Evidence Modeling of protein sequence and biophysical properties (such as structural, functional, and spatial information, amino acid conservation, physicochemical variation, residue mobility, and thermodynamic stability) has been performed for this missense variant. However, the output from this modeling did not meet the statistical confidence thresholds required to predict the impact of this variant on SAMD9 protein function. In summary, the available evidence is currently insufficient to determine the role of this variant in disease. Therefore, it has been classified as a Variant of Uncertain Significance.

NM_017654.4(SAMD9):c.2500A>C (p.Asn834His)

Gene: SAMD9 (sterile alpha motif domain containing 9; minus strand). Cytogenetic location: 7q21.2.
Variant type: single nucleotide variant.
Coding change: c.2500A>C on transcript NM_017654.4 (MANE Select); coding-DNA position 2500, A replaced by C.
Protein change: p.Asn834His; replaces asparagine 834 with histidine.
Molecular consequence: missense variant.
Genome position (GRCh38, 1-based): chr7:93,103,598, T>G on the plus strand (A>C on the coding strand, the complement: SAMD9 is on the minus strand). VCF-style: chr7-93103598-T-G. GRCh37 (hg19) VCF-style: chr7-92732911-T-G.
Other names: c.2500A>C, p.Asn834His (NM_001193307.2); short protein forms N834H.
Identifiers: ClinVar variation 3636740 (VCV003636740.2).
Genomic context (GRCh38, chr7:93,103,598, plus strand): 5'-TTACGGCAATACTGTCTGGGATCCTTGCACTTTTTTCAGGATTTTGTGATCTCATACAAT[T>G]TAGGATAATCACCAGAGGTTTTTCATATCGAATGTACTTTTTAGCTATAGCTGTTTGAAT-3'
Protein context (NP_060124.2, residues 824-844): RYEKPLVIIL[Asn834His]CMRSQNPEKS